The following is an entry in ClinVar:

ClinVar aggregate classification (germline): Uncertain significance. Review status: criteria provided, multiple submitters, no conflicts (2 of 4 stars). 2 submissions from 2 submitters: Uncertain significance (2). Last evaluated 2026-01-22.

Conditions:
EP300-related disorder. Also called: EP300-related condition; EP300-related disorders.

Allele frequency attached by ClinVar (database versions not stated): gnomAD 0.00001; gnomAD exomes 0.00001 and 0.00002.
gnomAD v4.1: 26 of 1,614,118 alleles (0.0016%); highest among the groups gnomAD compares: Non-Finnish European, 0.0021%; no homozygotes.

Submissions (2):

PreventionGenetics, part of Exact Sciences
Classification: Uncertain significance for EP300-related condition. Last evaluated: 2026-01-22. Review status: criteria provided, single submitter. Criteria: ACMG Guidelines, 2015. Collection method: clinical testing. Allele origin: germline.
Comment: The EP300 c.1081G>A variant is predicted to result in the amino acid substitution p.Val361Met. To our knowledge, this variant has not been reported in the literature. This variant is reported in 0.0040% of alleles in individuals of African descent in gnomAD. At this time, the clinical significance of this variant is uncertain due to the absence of conclusive functional and genetic evidence.

GeneDx
Classification: Uncertain significance. Last evaluated: 2020-09-30. Review status: criteria provided, single submitter. Criteria: GeneDx Variant Classification Process June 2021. Collection method: clinical testing. Allele origin: germline. Affected: yes.
Comment: In silico analysis supports that this missense variant does not alter protein structure/function; Has not been previously published as pathogenic or benign to our knowledge

NM_001429.4(EP300):c.1081G>A (p.Val361Met)

Gene: EP300 (EP300 lysine acetyltransferase; plus strand). Cytogenetic location: 22q13.2.
Variant type: single nucleotide variant.
Coding change: c.1081G>A on transcript NM_001429.4 (MANE Select); coding-DNA position 1081, G replaced by A.
Protein change: p.Val361Met; replaces valine 361 with methionine.
Molecular consequence: missense variant.
Genome position (GRCh38, 1-based): chr22:41,127,661, G>A. VCF-style: chr22-41127661-G-A. GRCh37 (hg19) VCF-style: chr22-41523665-G-A.
Other names: c.1081G>A, p.Val361Met (NM_001362843.2); short protein forms V361M.
Identifiers: ClinVar variation 1313216 (VCV001313216.3), dbSNP rs1341704749, ClinGen allele CA411684013.